The following is an entry in ClinVar:

ClinVar aggregate classification (germline): Likely pathogenic (1 of 4 stars; one submission).

Submission:

Labcorp Genetics (formerly Invitae), Labcorp
Classification: Likely pathogenic. Last evaluated: 2023-11-17. Review status: criteria provided, single submitter. Criteria: Invitae Variant Classification Sherloc (09022015). Collection method: clinical testing. Allele origin: germline.
Comment: This sequence change replaces glycine, which is neutral and non-polar, with valine, which is neutral and non-polar, at codon 2031 of the COL7A1 protein (p.Gly2031Val). This variant is not present in population databases (gnomAD no frequency). This variant has not been reported in the literature in individuals affected with COL7A1-related conditions. Advanced modeling of protein sequence and biophysical properties (such as structural, functional, and spatial information, amino acid conservation, physicochemical variation, residue mobility, and thermodynamic stability) performed at Invitae indicates that this missense variant is expected to disrupt COL7A1 protein function with a positive predictive value of 95%. This variant disrupts the triple helix domain of COL7A1. Glycine residues within the Gly-Xaa-Yaa repeats of the triple helix domain are required for the structure and stability of fibrillar collagens (PMID: 7695699, 8218237, 19344236), and variants at these glycine residues in COL7A1 are more frequently observed in individuals with disease than in the general population (PMID: 22058051). However, the clinical significance of this observation remains uncertain since only a limited number of affected individuals have been described to date. This variant disrupts the p.Gly2031 amino acid residue in COL7A1. Other variant(s) that disrupt this residue have been determined to be pathogenic (PMID: 11167698, 27746867). This suggests that this residue is clinically significant, and that variants that disrupt this residue are likely to be disease-causing. In summary, the currently available evidence indicates that the variant is pathogenic, but additional data are needed to prove that conclusively. Therefore, this variant has been classified as Likely Pathogenic.

Literature cited by the submitters: PubMed 7695699; PubMed 8218237; PubMed 19344236; PubMed 22058051; PubMed 11167698; PubMed 27746867.

NM_000094.4(COL7A1):c.6092G>T (p.Gly2031Val)

Gene: COL7A1 (collagen type VII alpha 1 chain; minus strand). Cytogenetic location: 3p21.31.
Variant type: single nucleotide variant.
Coding change: c.6092G>T on transcript NM_000094.4 (MANE Select); coding-DNA position 6092, G replaced by T.
Protein change: p.Gly2031Val; replaces glycine 2031 with valine.
Molecular consequence: missense variant.
Genome position (GRCh38, 1-based): chr3:48,575,427, C>A on the plus strand (G>T on the coding strand, the complement: COL7A1 is on the minus strand). VCF-style: chr3-48575427-C-A. GRCh37 (hg19) VCF-style: chr3-48612860-C-A.
Other names: short protein forms G2031V.
Identifiers: ClinVar variation 2696524 (VCV002696524.3), dbSNP rs1432441761, ClinGen allele CA352663270.